The following is an entry in ClinVar:

ClinVar aggregate classification (germline): Uncertain significance (1 of 4 stars; one submission).

Conditions:
Spondyloepimetaphyseal dysplasia, PAPSS2 type. Also called: SEMD, PAKISTANI TYPE; BRACHYOLMIA TYPE 4 WITH MILD EPIPHYSEAL AND METAPHYSEAL CHANGES; SPONDYLODYSPLASIA AND PREMATURE PUBARCHE. Identifiers: Orphanet 93282, MedGen C2748516, MONDO:0019666, OMIM 612847.

Allele frequency attached by ClinVar (database versions not stated): gnomAD 0.00004; 1000 Genomes Project 30x 0.00016; 1000 Genomes Project 0.00020; gnomAD exomes 0.00001; ExAC 0.00003; TOPMed 0.00003.
gnomAD v4.1: 13 of 1,613,098 alleles (0.00081%); highest among the groups gnomAD compares: African/African-American, 0.017%; no homozygotes.

Submission:

Labcorp Genetics (formerly Invitae), Labcorp
Classification: Uncertain significance for Spondyloepimetaphyseal dysplasia, PAPSS2 type. Last evaluated: 2022-06-23. Review status: criteria provided, single submitter. Criteria: Invitae Variant Classification Sherloc (09022015). Collection method: clinical testing. Allele origin: germline.
Comment: In summary, the available evidence is currently insufficient to determine the role of this variant in disease. Therefore, it has been classified as a Variant of Uncertain Significance. This sequence change falls in intron 11 of the PAPSS2 gene. It does not directly change the encoded amino acid sequence of the PAPSS2 protein. It affects a nucleotide within the consensus splice site. This variant is present in population databases (rs550402723, gnomAD 0.02%). This variant has not been reported in the literature in individuals affected with PAPSS2-related conditions. Variants that disrupt the consensus splice site are a relatively common cause of aberrant splicing (PMID: 17576681, 9536098). Algorithms developed to predict the effect of sequence changes on RNA splicing suggest that this variant is not likely to affect RNA splicing.

Literature cited by the submitters: PubMed 17576681; PubMed 9536098.

NM_001015880.2(PAPSS2):c.1492-3T>C

Gene: PAPSS2 (3'-phosphoadenosine 5'-phosphosulfate synthase 2; plus strand). Cytogenetic location: 10q23.31.
Variant type: single nucleotide variant.
Coding change: c.1492-3T>C on transcript NM_001015880.2 (MANE Select); 3 bases into the intron before coding-DNA position 1492, T replaced by C.
Molecular consequence: intron variant.
Genome position (GRCh38, 1-based): chr10:87,744,999, T>C. VCF-style: chr10-87744999-T-C. GRCh37 (hg19) VCF-style: chr10-89504756-T-C.
Other names: c.1477-3T>C (NM_004670.4).
Identifiers: ClinVar variation 2195692 (VCV002195692.3), dbSNP rs550402723, ClinGen allele CA5589775.
Genomic context (GRCh38, chr10:87,744,999, plus strand): 5'-ATAAACCATGACCTACAGATTTGACCCACAATGACCAGCATGTCCCTTATGGACATTTTC[T>C]AGGTCCAGTGGCACTGCAGGTCCCGGATGATTGCGGGTGCCAATTTCTACATTGTGGGGA-3'